The following is an entry in ClinVar:

ClinVar aggregate classification (germline): Uncertain significance (1 of 4 stars; one submission).

Allele frequency attached by ClinVar (database versions not stated): TOPMed below 0.00001; ExAC 0.00001; gnomAD 0.00001; 1000 Genomes Project 30x 0.00016; 1000 Genomes Project 0.00020.
gnomAD v4.1: 9 of 1,613,466 alleles (0.00056%); highest among the groups gnomAD compares: African/African-American, 0.0013%; no homozygotes.

Submission:

Labcorp Genetics (formerly Invitae), Labcorp
Classification: Uncertain significance. Last evaluated: 2022-01-17. Review status: criteria provided, single submitter. Criteria: Invitae Variant Classification Sherloc (09022015). Collection method: clinical testing. Allele origin: germline.
Comment: This sequence change replaces aspartic acid, which is acidic and polar, with glycine, which is neutral and non-polar, at codon 146 of the FOXRED1 protein (p.Asp146Gly). This variant is present in population databases (rs201873350, gnomAD 0.0009%). This variant has not been reported in the literature in individuals affected with FOXRED1-related conditions. Advanced modeling of protein sequence and biophysical properties (such as structural, functional, and spatial information, amino acid conservation, physicochemical variation, residue mobility, and thermodynamic stability) performed at Invitae indicates that this missense variant is not expected to disrupt FOXRED1 protein function. In summary, the available evidence is currently insufficient to determine the role of this variant in disease. Therefore, it has been classified as a Variant of Uncertain Significance.

NM_017547.4(FOXRED1):c.437A>G (p.Asp146Gly)

Gene: FOXRED1 (FAD dependent oxidoreductase domain containing 1; plus strand). Cytogenetic location: 11q24.2.
Variant type: single nucleotide variant.
Coding change: c.437A>G on transcript NM_017547.4 (MANE Select); coding-DNA position 437, A replaced by G.
Protein change: p.Asp146Gly; replaces aspartic acid 146 with glycine.
Molecular consequence: missense variant. On other transcripts: non-coding transcript variant (2).
Genome position (GRCh38, 1-based): chr11:126,273,355, A>G. VCF-style: chr11-126273355-A-G. GRCh37 (hg19) VCF-style: chr11-126143250-A-G.
Other names: short protein forms D146G.
Identifiers: ClinVar variation 2073226 (VCV002073226.1), dbSNP rs201873350, ClinGen allele CA6354088.
Genomic context (GRCh38, chr11:126,273,355, plus strand): 5'-CCTTAAGTCAGTTTCTTTCAGGAGCTTCTGTCTGCACACAGGAGTACCTGGCCGTAGTCG[A>G]TGCTCCTCCCCTGGACCTCCGGTTCAACCCCTCGGGCTACCTCTTGCTGGCTTCAGAAAA-3'
Protein context (NP_060017.1, residues 136-156): RNINEYLAVV[Asp146Gly]APPLDLRFNP